The following is an entry in ClinVar:

ClinVar aggregate classification (germline): Pathogenic (1 of 4 stars; one submission).

Submission:

Quest Diagnostics Nichols Institute San Juan Capistrano
Classification: Pathogenic. Last evaluated: 2025-06-27. Review status: criteria provided, single submitter. Criteria: ACMG/ClinGen CNV Guidelines, 2019. Collection method: clinical testing. Allele origin: unknown.
Comment: The 6q16.1q16.2 deletion involves at least 17 protein-coding genes. De novo and inherited deletions contained within this 6q16.1q16.2 region have been identified in individuals with various phenotypes (D’Arrigo 2016, Derwinska 2009, Kasher 2016, Okazaki 2022, Rosenfeld 2012, Derwinska 2009, Kasher 2016). There are no similar copy number losses of this region in the general populations of the Database of Genomic Variants. Thus, this copy number variant (CNV) is classified as pathogenic. References: D’Arrigo et al., J Child Neurol. 2016 May;31(6):691-9. PMID: 26511719 Derwinska et al., Clin Genet. 2009 Feb;75(2):199-202. PMID: 18717687 Kasher et al., Am J Hum Genet. 2016 Feb 4;98(2):363-72. PMID: 26833329 Okazaki et al., Hum Genome Var. 2022 May 17;9(1):14. PMID: 35581197 Rosenfeld et al., Neurogenetics. 2012 Feb;13(1):31-47. PMID: 22218741

GRCh37/hg19 6q16.1-16.2(chr6:96096962-100369465)x1

Genes: CCNC (cyclin C; minus strand), COQ3 (coenzyme Q3, methyltransferase; minus strand), FAXC (failed axon connections homolog, metaxin like GST domain containing; minus strand), FBXL4 (F-box and leucine rich repeat protein 4; minus strand), FHL5 (four and a half LIM domains 5; plus strand) and 12 more. Cytogenetic location: 6q16.1-16.2.
Variant type: copy number loss.
Change: copy number 1 (one copy instead of two) of chr6:96,096,962-100,369,465 (4.27 Mb, GRCh37 coordinates, 1-based), cytogenetic band 6q16.1-16.2.
Identifiers: ClinVar variation 4682664 (VCV004682664.1).